The following is an entry in ClinVar:

ClinVar aggregate classification (germline): Uncertain significance (1 of 4 stars; one submission).

Conditions:
Adenylosuccinate lyase deficiency (ADSLD). Also called: ADSL DEFICIENCY. Identifiers: Orphanet 46, MedGen C0268126, MONDO:0007068, OMIM 103050.

Allele frequency attached by ClinVar (database versions not stated): gnomAD exomes below 0.00001; TOPMed below 0.00001; gnomAD 0.00001.

Submission:

Labcorp Genetics (formerly Invitae), Labcorp
Classification: Uncertain significance for Adenylosuccinate lyase deficiency. Last evaluated: 2021-12-30. Review status: criteria provided, single submitter. Criteria: Invitae Variant Classification Sherloc (09022015). Collection method: clinical testing. Allele origin: germline.
Comment: This variant has not been reported in the literature in individuals affected with ADSL-related conditions. Experimental studies and prediction algorithms are not available or were not evaluated, and the functional significance of this variant is currently unknown. In summary, the available evidence is currently insufficient to determine the role of this variant in disease. Therefore, it has been classified as a Variant of Uncertain Significance. This variant is not present in population databases (gnomAD no frequency). This variant occurs in a non-coding region of the ADSL gene. It does not change the encoded amino acid sequence of the ADSL protein.

NC_000022.11:g.40346406T>C

Gene: ADSL (adenylosuccinate lyase; plus strand). Cytogenetic location: 22q13.1.
Variant type: single nucleotide variant.
Genome position: GRCh38 VCF-style: chr22-40346406-T-C. GRCh37 (hg19) VCF-style: chr22-40742410-T-C.
Identifiers: ClinVar variation 2191494 (VCV002191494.5), dbSNP rs1000079232, ClinGen allele CA324446867.